The following is an entry in ClinVar:

NM_000091.5(COL4A3):c.3546A>T (p.Arg1182Ser)

Genes: COL4A3 (collagen type IV alpha 3 chain; plus strand), MFF-DT (MFF divergent transcript; minus strand). Cytogenetic location: 2q36.3.
Variant type: single nucleotide variant.
Coding change: c.3546A>T on transcript NM_000091.5 (MANE Select); coding-DNA position 3546, A replaced by T.
Protein change: p.Arg1182Ser; replaces arginine 1182 with serine.
Molecular consequence: missense variant.
Genome position (GRCh38, 1-based): chr2:227,295,297, A>T. VCF-style: chr2-227295297-A-T. GRCh37 (hg19) VCF-style: chr2-228160013-A-T.
Other names: short protein forms R1182S.
Identifiers: ClinVar variation 3022044 (VCV003022044.1), dbSNP rs2469865775, ClinGen allele CA350859270.

ClinVar aggregate classification (germline): Uncertain significance (1 of 4 stars; one submission).

Submission:

Labcorp Genetics (formerly Invitae), Labcorp
Classification: Uncertain significance. Last evaluated: 2023-09-18. Review status: criteria provided, single submitter. Criteria: Invitae Variant Classification Sherloc (09022015). Collection method: clinical testing. Allele origin: germline.
Comment: Advanced modeling of protein sequence and biophysical properties (such as structural, functional, and spatial information, amino acid conservation, physicochemical variation, residue mobility, and thermodynamic stability) has been performed at Invitae for this missense variant, however the output from this modeling did not meet the statistical confidence thresholds required to predict the impact of this variant on COL4A3 protein function. This variant has not been reported in the literature in individuals affected with COL4A3-related conditions. This variant is not present in population databases (gnomAD no frequency). This sequence change replaces arginine, which is basic and polar, with serine, which is neutral and polar, at codon 1182 of the COL4A3 protein (p.Arg1182Ser). In summary, the available evidence is currently insufficient to determine the role of this variant in disease. Therefore, it has been classified as a Variant of Uncertain Significance.